The following is an entry in ClinVar:

NM_005035.4(POLRMT):c.1226C>T (p.Ala409Val)

Gene: POLRMT (RNA polymerase mitochondrial; minus strand). Cytogenetic location: 19p13.3.
Variant type: single nucleotide variant.
Coding change: c.1226C>T on transcript NM_005035.4 (MANE Select); coding-DNA position 1226, C replaced by T.
Protein change: p.Ala409Val; replaces alanine 409 with valine.
Molecular consequence: missense variant.
Genome position (GRCh38, 1-based): chr19:623,518, G>A on the plus strand (C>T on the coding strand, the complement: POLRMT is on the minus strand). VCF-style: chr19-623518-G-A. GRCh37 (hg19) VCF-style: chr19-623518-G-A.
Other names: c.1226C>T, p.Ala409Val (NM_001407805.1, NM_001407806.1, NM_001407807.1 and 10 more transcripts); c.1184C>T, p.Ala395Val (NM_001407811.1, NM_001407813.1); c.902C>T, p.Ala301Val (NM_001407831.1, NM_001407833.1, NM_001407834.1 and 2 more transcripts); short protein forms A301V, A395V, A409V.
Identifiers: ClinVar variation 2407957 (VCV002407957.3), dbSNP rs144770419, ClinGen allele CA9020408.

ClinVar aggregate classification (germline): Uncertain significance. Review status: criteria provided, multiple submitters, no conflicts (2 of 4 stars). 2 submissions from 2 submitters: Uncertain significance (2). Last evaluated 2023-07-11.

Conditions:
Combined oxidative phosphorylation deficiency 55 (COXPD55). Identifiers: MedGen C5676915, MONDO:0859228, OMIM 619743.

Allele frequency attached by ClinVar (database versions not stated): gnomAD 0.00015; 1000 Genomes Project 30x 0.00016; 1000 Genomes Project 0.00020; ESP Exome Variant Server 0.00023.
gnomAD v4.1: 44 of 1,613,420 alleles (0.0027%); highest among the groups gnomAD compares: African/African-American, 0.055%; no homozygotes.

Submissions (2):

Pittsburgh Clinical Genomics Laboratory, University of Pittsburgh Medical Center
Classification: Uncertain significance for Combined oxidative phosphorylation deficiency 55. Last evaluated: 2023-07-11. Review status: criteria provided, single submitter. Criteria: ACMG Guidelines, 2015. Collection method: clinical testing. Allele origin: germline. Inheritance: Autosomal unknown. Affected: yes.
Comment: This sequence variant is a single nucleotide substitution (C>T) at position 1226 of the coding sequence of the POLRMT gene that results in an alanine to valine amino acid change at residue 409 of the R polymerase mitochondrial protein. This is a previously reported variant (ClinVar 2407957) that has not been observed in the literature in individuals affected by POLRMT-related disease, to our knowledge. This variant is present in 14 of 281940 alleles (0.0050%) in the gnomAD population dataset. Multiple bioinformatic tools predict that this alanine to valine amino acid change would be neutral, and the Ala409 residue at this position is poorly conserved across the vertebrate species examined. Studies examining the functiol consequence of this variant have not been performed, to our knowledge. At this time, there is insufficient evidence to determine if this variant is pathogenic or benign. Therefore, we consider this a variant of uncertain significance. ACMG Criteria: BP4, PM2

Ambry Genetics
Classification: Uncertain significance. Last evaluated: 2021-10-27. Review status: criteria provided, single submitter. Criteria: Ambry Variant Classification Scheme 2023. Collection method: clinical testing. Allele origin: germline.